The following is an entry in ClinVar:

NM_005236.3(ERCC4):c.106G>C (p.Ala36Pro)

Genes: ERCC4 (ERCC excision repair 4, endonuclease catalytic subunit; plus strand), LOC130058543 (ATAC-STARR-seq lymphoblastoid active region 10486; plus strand). Cytogenetic location: 16p13.12.
Variant type: single nucleotide variant.
Coding change: c.106G>C on transcript NM_005236.3 (MANE Select); coding-DNA position 106, G replaced by C.
Protein change: p.Ala36Pro; replaces alanine 36 with proline.
Molecular consequence: missense variant.
Genome position (GRCh38, 1-based): chr16:13,920,271, G>C. VCF-style: chr16-13920271-G-C. GRCh37 (hg19) VCF-style: chr16-14014128-G-C.
Other names: short protein forms A36P.
Identifiers: ClinVar variation 1921062 (VCV001921062.5), dbSNP rs2141937194, ClinGen allele CA394816172.
Genomic context (GRCh38, chr16:13,920,271, plus strand): 5'-CTGGAGTACGAGCGACAGCTGGTGCTGGAACTGCTCGACACTGACGGGCTAGTAGTGTGC[G>C]CCCGCGGGCTCGGCGCGGACCGGCTCCTCTACCACTTTCTCCAGCTGCACTGCCACCCAG-3'
Protein context (NP_005227.1, residues 26-46): LLDTDGLVVC[Ala36Pro]RGLGADRLLY

ClinVar aggregate classification (germline): Uncertain significance (1 of 4 stars; one submission).

Conditions:
Xeroderma pigmentosum, group F (XPF). Also called: ERCC4-Related Xeroderma Pigmentosum; XERODERMA PIGMENTOSUM, TYPE F; Xeroderma pigmentosum, type 6; XERODERMA PIGMENTOSUM, COMPLEMENTATION GROUP F; XERODERMA PIGMENTOSUM VI; XP, GROUP F. Identifiers: MedGen C0268140, MONDO:0010215, OMIM 278760.
Cockayne syndrome. Identifiers: Orphanet 191, MedGen C0009207, MONDO:0016006.
Fanconi anemia complementation group Q. Identifiers: Orphanet 84, MedGen C3808988, MONDO:0014108, OMIM 615272.

Submission:

Labcorp Genetics (formerly Invitae), Labcorp
Classification: Uncertain significance for Fanconi anemia complementation group Q; Xeroderma pigmentosum, group F; Cockayne syndrome. Last evaluated: 2025-05-05. Review status: criteria provided, single submitter. Criteria: Invitae Variant Classification Sherloc (09022015). Collection method: clinical testing. Allele origin: germline.
Comment: This sequence change replaces alanine, which is neutral and non-polar, with proline, which is neutral and non-polar, at codon 36 of the ERCC4 protein (p.Ala36Pro). This variant is not present in population databases (gnomAD no frequency). This variant has not been reported in the literature in individuals affected with ERCC4-related conditions. ClinVar contains an entry for this variant (Variation ID: 1921062). Invitae Evidence Modeling of protein sequence and biophysical properties (such as structural, functional, and spatial information, amino acid conservation, physicochemical variation, residue mobility, and thermodynamic stability) indicates that this missense variant is expected to disrupt ERCC4 protein function with a positive predictive value of 80%. In summary, the available evidence is currently insufficient to determine the role of this variant in disease. Therefore, it has been classified as a Variant of Uncertain Significance.